The following is an entry in ClinVar:

NM_018089.3(ANKZF1):c.1726G>A (p.Ala576Thr)

Gene: ANKZF1 (ankyrin repeat and zinc finger peptidyl tRNA hydrolase 1; plus strand). Cytogenetic location: 2q35.
Variant type: single nucleotide variant.
Coding change: c.1726G>A on transcript NM_018089.3 (MANE Select); coding-DNA position 1726, G replaced by A.
Protein change: p.Ala576Thr; replaces alanine 576 with threonine.
Molecular consequence: missense variant.
Genome position (GRCh38, 1-based): chr2:219,235,508, G>A. VCF-style: chr2-219235508-G-A. GRCh37 (hg19) VCF-style: chr2-220100230-G-A.
Other names: c.1726G>A, p.Ala576Thr (NM_001042410.2); c.1096G>A, p.Ala366Thr (NM_001282792.2); short protein forms A366T, A576T.
Identifiers: ClinVar variation 2970570 (VCV002970570.3), dbSNP rs374274161, ClinGen allele CA350683958.
Genomic context (GRCh38, chr2:219,235,508, plus strand): 5'-CCCATTTTTGGAGTTTTTGCACCTAGGGACTCTCGGGCCCGGCCACCTTATACTGTTGCG[G>A]CTGACAAATCAACACGTAATGAGTTCCGAAGGTTCATGGAGAAGAATCCAGATGCCTACG-3'
Protein context (NP_060559.2, residues 566-586): SRARPPYTVA[Ala576Thr]DKSTRNEFRR

ClinVar aggregate classification (germline): Uncertain significance (1 of 4 stars; one submission).

Allele frequency attached by ClinVar (database versions not stated): TOPMed below 0.00001.

Submission:

Labcorp Genetics (formerly Invitae), Labcorp
Classification: Uncertain significance. Last evaluated: 2022-12-27. Review status: criteria provided, single submitter. Criteria: Invitae Variant Classification Sherloc (09022015). Collection method: clinical testing. Allele origin: germline.
Comment: In summary, the available evidence is currently insufficient to determine the role of this variant in disease. Therefore, it has been classified as a Variant of Uncertain Significance. Algorithms developed to predict the effect of missense changes on protein structure and function are either unavailable or do not agree on the potential impact of this missense change (SIFT: "Tolerated"; PolyPhen-2: "Possibly Damaging"; Align-GVGD: "Class C0"). This variant has not been reported in the literature in individuals affected with ANKZF1-related conditions. This variant is not present in population databases (gnomAD no frequency). This sequence change replaces alanine, which is neutral and non-polar, with threonine, which is neutral and polar, at codon 576 of the ANKZF1 protein (p.Ala576Thr).